The following is an entry in ClinVar:

ClinVar aggregate classification (germline): Uncertain significance (1 of 4 stars; one submission).

Conditions:
Shprintzen-Goldberg syndrome (SGS). Also called: SHPRINTZEN-GOLDBERG CRANIOSYNOSTOSIS SYNDROME; CRANIOSYNOSTOSIS WITH ARACHNODACTYLY AND ABDOMINAL HERNIAS; Marfanoid disorder with craniosynostosis type 1; Marfanoid craniosynostosis syndrome; Shprintzen-Goldberg marfanoid syndrome. Identifiers: Orphanet 2462, MedGen C1321551, MONDO:0008426, OMIM 182212.

Allele frequency attached by ClinVar (database versions not stated): gnomAD exomes below 0.00001.
gnomAD v4.1: 1 of 1,612,428 alleles (0.000062%); highest among the groups gnomAD compares: Non-Finnish European, 0.000085%; no homozygotes.

Submission:

Labcorp Genetics (formerly Invitae), Labcorp
Classification: Uncertain significance for Shprintzen-Goldberg syndrome. Last evaluated: 2022-09-24. Review status: criteria provided, single submitter. Criteria: Invitae Variant Classification Sherloc (09022015). Collection method: clinical testing. Allele origin: germline.
Comment: Variants that disrupt the consensus splice site are a relatively common cause of aberrant splicing (PMID: 17576681, 9536098). Algorithms developed to predict the effect of sequence changes on RNA splicing suggest that this variant is not likely to affect RNA splicing. In summary, the available evidence is currently insufficient to determine the role of this variant in disease. Therefore, it has been classified as a Variant of Uncertain Significance. This variant has not been reported in the literature in individuals affected with SKI-related conditions. This variant is not present in population databases (gnomAD no frequency). This sequence change falls in intron 3 of the SKI gene. It does not directly change the encoded amino acid sequence of the SKI protein. It affects a nucleotide within the consensus splice site.

Literature cited by the submitters: PubMed 17576681; PubMed 9536098.

NM_003036.4(SKI):c.1212-3C>T

Gene: SKI (SKI proto-oncogene; plus strand). Cytogenetic location: 1p36.32.
Variant type: single nucleotide variant.
Coding change: c.1212-3C>T on transcript NM_003036.4 (MANE Select); 3 bases into the intron before coding-DNA position 1212, C replaced by T.
Molecular consequence: intron variant.
Genome position (GRCh38, 1-based): chr1:2,303,837, C>T. VCF-style: chr1-2303837-C-T. GRCh37 (hg19) VCF-style: chr1-2235276-C-T.
Identifiers: ClinVar variation 2032344 (VCV002032344.4), dbSNP rs2521482276, ClinGen allele CA2580061401.
Genomic context (GRCh38, chr1:2,303,837, plus strand): 5'-AGGATGTGTCTGGGTGGTGCTTGGGGACAGAGGCACCTTCCCGACACCCGCCTGCCCCTC[C>T]AGCTTCTACTCCTACAAGAGCTTTGAGACAGCCGTGGCGCCCAACGTGGCCCTCGCACCG-3'